The following is an entry in ClinVar:

ClinVar aggregate classification (germline): Uncertain significance (1 of 4 stars; one submission).

Conditions:
Epileptic encephalopathy. Identifiers: MedGen C0543888, HP:0200134.

Allele frequency attached by ClinVar (database versions not stated): gnomAD exomes below 0.00001.
gnomAD v4.1: 2 of 1,612,804 alleles (0.00012%); highest among the groups gnomAD compares: Non-Finnish European, 0.00017%; no homozygotes.

Submission:

Labcorp Genetics (formerly Invitae), Labcorp
Classification: Uncertain significance for Epileptic encephalopathy. Last evaluated: 2023-08-03. Review status: criteria provided, single submitter. Criteria: Invitae Variant Classification Sherloc (09022015). Collection method: clinical testing. Allele origin: germline.
Comment: This variant has not been reported in the literature in individuals affected with GABBR2-related conditions. In summary, the available evidence is currently insufficient to determine the role of this variant in disease. Therefore, it has been classified as a Variant of Uncertain Significance. Advanced modeling of protein sequence and biophysical properties (such as structural, functional, and spatial information, amino acid conservation, physicochemical variation, residue mobility, and thermodynamic stability) performed at Invitae indicates that this missense variant is not expected to disrupt GABBR2 protein function. ClinVar contains an entry for this variant (Variation ID: 1448141). This variant is not present in population databases (gnomAD no frequency). This sequence change replaces asparagine, which is neutral and polar, with serine, which is neutral and polar, at codon 407 of the GABBR2 protein (p.Asn407Ser).

NM_005458.8(GABBR2):c.1220A>G (p.Asn407Ser)

Gene: GABBR2 (gamma-aminobutyric acid type B receptor subunit 2; minus strand). Cytogenetic location: 9q22.33.
Variant type: single nucleotide variant.
Coding change: c.1220A>G on transcript NM_005458.8 (MANE Select); coding-DNA position 1220, A replaced by G.
Protein change: p.Asn407Ser; replaces asparagine 407 with serine.
Molecular consequence: missense variant.
Genome position (GRCh38, 1-based): chr9:98,453,997, T>C on the plus strand (A>G on the coding strand, the complement: GABBR2 is on the minus strand). VCF-style: chr9-98453997-T-C. GRCh37 (hg19) VCF-style: chr9-101216279-T-C.
Other names: short protein forms N407S.
Identifiers: ClinVar variation 1448141 (VCV001448141.8), dbSNP rs1564075329, ClinGen allele CA374350316.